The following is an entry in ClinVar:

ClinVar aggregate classification (germline): Uncertain significance (1 of 4 stars; one submission).

Conditions:
RYR2-related disorder. Also called: RYR2-related condition.

Submission:

PreventionGenetics, part of Exact Sciences
Classification: Uncertain significance for RYR2-related condition. Last evaluated: 2024-12-29. Review status: criteria provided, single submitter. Criteria: ACMG Guidelines, 2015. Collection method: clinical testing. Allele origin: germline.
Comment: The RYR2 c.3587A>G variant is predicted to result in the amino acid substitution p.Asp1196Gly. To our knowledge, this variant has not been reported in the literature or in a large population database (gnomAD), indicating this variant is rare. At this time, the clinical significance of this variant is uncertain due to the absence of conclusive functional and genetic evidence.

NM_001035.3(RYR2):c.3587A>G (p.Asp1196Gly)

Gene: RYR2 (ryanodine receptor 2; plus strand). Cytogenetic location: 1q43.
Variant type: single nucleotide variant.
Coding change: c.3587A>G on transcript NM_001035.3 (MANE Select); coding-DNA position 3587, A replaced by G.
Protein change: p.Asp1196Gly; replaces aspartic acid 1196 with glycine.
Molecular consequence: missense variant.
Genome position (GRCh38, 1-based): chr1:237,569,308, A>G. VCF-style: chr1-237569308-A-G. GRCh37 (hg19) VCF-style: chr1-237732608-A-G.
Other names: short protein forms D1196G.
Identifiers: ClinVar variation 5002103 (VCV005002103.1).